The following is an entry in ClinVar:

ClinVar aggregate classification (germline): Uncertain significance (1 of 4 stars; one submission).

Conditions:
Symmetrical dyschromatosis of extremities (DSH). Also called: DYSCHROMATOSIS SYMMETRICA HEREDITARIA 1; RETICULATE ACROPIGMENTATION OF DOHI; SYMMETRIC DYSCHROMATOSIS OF THE EXTREMITIES; Dyschromatosis symmetrica hereditaria. Identifiers: Orphanet 41, MedGen C0406775, MONDO:0007483, OMIM 127400.
Aicardi-Goutieres syndrome 6 (AGS6). Identifiers: Orphanet 51, MedGen C3539013, MONDO:0014007, OMIM 615010.

Allele frequency attached by ClinVar (database versions not stated): gnomAD exomes below 0.00001.
gnomAD v4.1: 1 of 1,614,254 alleles (0.000062%); highest among the groups gnomAD compares: Non-Finnish European, 0.000085%; no homozygotes.

Submission:

Labcorp Genetics (formerly Invitae), Labcorp
Classification: Uncertain significance for Aicardi-Goutieres syndrome 6; Symmetrical dyschromatosis of extremities. Last evaluated: 2022-09-15. Review status: criteria provided, single submitter. Criteria: Invitae Variant Classification Sherloc (09022015). Collection method: clinical testing. Allele origin: germline.
Comment: This variant has not been reported in the literature in individuals affected with ADAR-related conditions. Algorithms developed to predict the effect of missense changes on protein structure and function (SIFT, PolyPhen-2, Align-GVGD) all suggest that this variant is likely to be tolerated. In summary, the available evidence is currently insufficient to determine the role of this variant in disease. Therefore, it has been classified as a Variant of Uncertain Significance. This variant is not present in population databases (gnomAD no frequency). This sequence change replaces aspartic acid, which is acidic and polar, with asparagine, which is neutral and polar, at codon 214 of the ADAR protein (p.Asp214Asn).

NM_001111.5(ADAR):c.640G>A (p.Asp214Asn)

Gene: ADAR (adenosine deaminase RNA specific; minus strand). Cytogenetic location: 1q21.3.
Variant type: single nucleotide variant.
Coding change: c.640G>A on transcript NM_001111.5 (MANE Select); coding-DNA position 640, G replaced by A.
Protein change: p.Asp214Asn; replaces aspartic acid 214 with asparagine.
Molecular consequence: missense variant. On other transcripts: 5 prime UTR variant (6).
Genome position (GRCh38, 1-based): chr1:154,602,002, C>T on the plus strand (G>A on the coding strand, the complement: ADAR is on the minus strand). VCF-style: chr1-154602002-C-T. GRCh37 (hg19) VCF-style: chr1-154574478-C-T.
Other names: c.-246G>A (NM_001025107.3, NM_001193495.2, NM_001365046.1 and 3 more transcripts); c.667G>A, p.Asp223Asn (NM_001365045.1); c.640G>A, p.Asp214Asn (NM_015840.4, NM_015841.4); short protein forms D214N, D223N.
Identifiers: ClinVar variation 1719537 (VCV001719537.5), dbSNP rs2526662031, ClinGen allele CA342600678.